The following is an entry in ClinVar:

ClinVar aggregate classification (germline): Uncertain significance. Review status: criteria provided, multiple submitters, no conflicts (2 of 4 stars). 3 submissions from 3 submitters: Uncertain significance (3). Last evaluated 2024-09-25.

Conditions:
Diabetes mellitus, transient neonatal, 3 (TNDM3). Identifiers: Orphanet 99886, MedGen C1864623, MONDO:0012522, OMIM 610582. Disease mechanism: loss of function.
Hyperinsulinemic hypoglycemia, familial, 2. Also called: HYPERINSULINEMIC HYPOGLYCEMIA, PERSISTENT; HYPERINSULINISM, NEONATAL. Identifiers: Orphanet 276580, Orphanet 276603, MedGen C2931833, MONDO:0011153, OMIM 601820. Disease mechanism: loss of function.
Type 2 diabetes mellitus. Also called: Type II diabetes mellitus. Identifiers: MedGen C0011860, MeSH D003924, MONDO:0005148, OMIM 125853, HP:0005978.
Maturity-onset diabetes of the young type 13. Also called: MODY, TYPE 13. Identifiers: Orphanet 552, MedGen C4225365, MONDO:0014589, OMIM 616329.
Diabetes mellitus, permanent neonatal 2. Also called: KCNJ11-Related Permanent Neonatal Diabetes Mellitus. Identifiers: MedGen C5394296, MONDO:0030087, OMIM 618856.
Inborn genetic diseases. Identifiers: MedGen C0950123, MeSH D030342.

Allele frequency attached by ClinVar (database versions not stated): gnomAD exomes 0.00001; TOPMed 0.00005; gnomAD 0.00006.
gnomAD v4.1: 15 of 1,613,384 alleles (0.00093%); highest among the groups gnomAD compares: African/African-American, 0.016%; no homozygotes.

Submissions (3):

Ambry Genetics
Classification: Uncertain significance for Inborn genetic diseases. Last evaluated: 2024-09-25. Review status: criteria provided, single submitter. Criteria: Ambry Variant Classification Scheme 2023. Collection method: clinical testing. Allele origin: germline.

Fulgent Genetics
Classification: Uncertain significance for Type 2 diabetes mellitus; Hyperinsulinemic hypoglycemia, familial, 2; Diabetes mellitus, transient neonatal, 3; Maturity-onset diabetes of the young type 13; Diabetes mellitus, permanent neonatal 2. Last evaluated: 2024-02-07. Review status: criteria provided, single submitter. Criteria: ACMG Guidelines, 2015. Collection method: clinical testing. Allele origin: germline.

Labcorp Genetics (formerly Invitae), Labcorp
Classification: Uncertain significance. Last evaluated: 2022-05-08. Review status: criteria provided, single submitter. Criteria: Invitae Variant Classification Sherloc (09022015). Collection method: clinical testing. Allele origin: germline.
Comment: This sequence change replaces histidine, which is basic and polar, with arginine, which is basic and polar, at codon 115 of the KCNJ11 protein (p.His115Arg). This variant is present in population databases (rs374334444, gnomAD 0.01%). This variant has not been reported in the literature in individuals affected with KCNJ11-related conditions. Algorithms developed to predict the effect of missense changes on protein structure and function are either unavailable or do not agree on the potential impact of this missense change (SIFT: "Deleterious"; PolyPhen-2: "Benign"; Align-GVGD: "Class C0"). In summary, the available evidence is currently insufficient to determine the role of this variant in disease. Therefore, it has been classified as a Variant of Uncertain Significance.

NM_000525.4(KCNJ11):c.344A>G (p.His115Arg)

Gene: KCNJ11 (potassium inwardly rectifying channel subfamily J member 11; minus strand). Cytogenetic location: 11p15.1.
Variant type: single nucleotide variant.
Coding change: c.344A>G on transcript NM_000525.4 (MANE Select); coding-DNA position 344, A replaced by G.
Protein change: p.His115Arg; replaces histidine 115 with arginine.
Molecular consequence: missense variant.
Genome position (GRCh38, 1-based): chr11:17,387,748, T>C on the plus strand (A>G on the coding strand, the complement: KCNJ11 is on the minus strand). VCF-style: chr11-17387748-T-C. GRCh37 (hg19) VCF-style: chr11-17409295-T-C.
Other names: c.83A>G, p.His28Arg (NM_001166290.2, NM_001377296.1, NM_001377297.1); short protein forms H28R, H115R.
Identifiers: ClinVar variation 1731536 (VCV001731536.6), dbSNP rs374334444, ClinGen allele CA218399984.